The following is an entry in ClinVar:

ClinVar aggregate classification (germline): Conflicting classifications of pathogenicity. Review status: criteria provided, conflicting classifications (1 of 4 stars). 3 submissions from 3 submitters: Uncertain significance (1); Benign (1); Likely benign (1). Last evaluated 2024-10-29.

Conditions:
Developmental and epileptic encephalopathy. Identifiers: MedGen C5779964, MONDO:0100620.
Inborn genetic diseases. Identifiers: MedGen C0950123, MeSH D030342.

Allele frequency attached by ClinVar (database versions not stated): TOPMed 0.00002; gnomAD exomes 0.00007 and 0.00018; ExAC 0.00084; gnomAD below 0.00001 and 0.00001.
gnomAD v4.1: 96 of 1,536,736 alleles (0.0062%); highest among the groups gnomAD compares: South Asian, 0.065%; no homozygotes.

Submissions (4):

Labcorp Genetics (formerly Invitae), Labcorp
Classification: Uncertain significance for Early-infantile DEE. Last evaluated: 2024-10-29. Review status: criteria provided, single submitter. Criteria: Invitae Variant Classification Sherloc (09022015). Collection method: clinical testing. Allele origin: germline.
Comment: This sequence change replaces alanine, which is neutral and non-polar, with valine, which is neutral and non-polar, at codon 43 of the KCNQ2 protein (p.Ala43Val). This variant is present in population databases (rs749554385, gnomAD 0.07%), and has an allele count higher than expected for a pathogenic variant. This variant has not been reported in the literature in individuals affected with KCNQ2-related conditions. ClinVar contains an entry for this variant (Variation ID: 205939). Invitae Evidence Modeling of protein sequence and biophysical properties (such as structural, functional, and spatial information, amino acid conservation, physicochemical variation, residue mobility, and thermodynamic stability) indicates that this missense variant is expected to disrupt KCNQ2 protein function with a positive predictive value of 95%. Experimental studies have shown that this missense change does not substantially affect KCNQ2 function (PMID: 35104249). In summary, the available evidence is currently insufficient to determine the role of this variant in disease. Therefore, it has been classified as a Variant of Uncertain Significance.

GeneDx
Classification: Benign. Last evaluated: 2020-09-01. Review status: criteria provided, single submitter. Criteria: GeneDx Variant Classification Process June 2021. Collection method: clinical testing. Allele origin: germline. Affected: yes.
Comment: This substitution is predicted to be within the N-terminal cytoplasmic domain

Ambry Genetics
Classification: Likely benign for Inborn genetic diseases. Last evaluated: 2016-10-12. Review status: criteria provided, single submitter. Criteria: Ambry Variant Classification Scheme 2023. Collection method: clinical testing. Allele origin: germline.

Channelopathy-Associated Epilepsy Research Center
No classification provided (evidence only). Condition: Complex neurodevelopmental disorder. Review status: no classification provided. Collection method: literature only. Allele origin: not applicable. Functional consequence: Normal peak current, Mild slowing of activation, Normal voltage dependence of activation. Not counted in ClinVar's aggregate classification.
ClinVar note: "not provided" was previously submitted as the classification for the variant. However, the classification appeared to be based only on an observation of functional data so it was converted to no classification on 2025-07-30.

Literature cited by the submitters: PubMed 35104249 (cited by Labcorp Genetics (formerly Invitae), Labcorp and Channelopathy-Associated Epilepsy Research Center).

NM_172107.4(KCNQ2):c.128C>T (p.Ala43Val)

Gene: KCNQ2 (potassium voltage-gated channel subfamily Q member 2; minus strand). Cytogenetic location: 20q13.33.
Variant type: single nucleotide variant.
Coding change: c.128C>T on transcript NM_172107.4 (MANE Select); coding-DNA position 128, C replaced by T.
Protein change: p.Ala43Val; replaces alanine 43 with valine.
Molecular consequence: missense variant.
Genome position (GRCh38, 1-based): chr20:63,472,336, G>A on the plus strand (C>T on the coding strand, the complement: KCNQ2 is on the minus strand). VCF-style: chr20-63472336-G-A. GRCh37 (hg19) VCF-style: chr20-62103689-G-A.
Other names: p.A43V:GCC>GTC; c.128C>T, p.Ala43Val (NM_004518.6, NM_172106.3, NM_172108.5 and 1 more transcripts); short protein forms A43V.
Identifiers: ClinVar variation 205939 (VCV000205939.20), dbSNP rs749554385, ClinGen allele CA315543.